The following is an entry in ClinVar:

NM_001303256.3(MORC2):c.1361T>C (p.Ile454Thr)

Gene: MORC2 (MORC family CW-type zinc finger 2; minus strand). Cytogenetic location: 22q12.2.
Variant type: single nucleotide variant.
Coding change: c.1361T>C on transcript NM_001303256.3 (MANE Select); coding-DNA position 1361, T replaced by C.
Protein change: p.Ile454Thr; replaces isoleucine 454 with threonine.
Molecular consequence: missense variant.
Genome position (GRCh38, 1-based): chr22:30,937,823, A>G on the plus strand (T>C on the coding strand, the complement: MORC2 is on the minus strand). VCF-style: chr22-30937823-A-G. GRCh37 (hg19) VCF-style: chr22-31333810-A-G.
Other names: c.1361T>C, p.Ile454Thr (NM_001303257.2); c.1175T>C, p.Ile392Thr (NM_014941.3); c.1361T>C (NM_001303256.2); short protein forms I392T, I454T.
Identifiers: ClinVar variation 3617078 (VCV003617078.3).

ClinVar aggregate classification (germline): Uncertain significance. Review status: criteria provided, multiple submitters, no conflicts (2 of 4 stars). 2 submissions from 2 submitters: Uncertain significance (2). Last evaluated 2024-08-21.

Conditions:
Charcot-Marie-Tooth disease axonal type 2Z. Also called: CHARCOT-MARIE-TOOTH DISEASE, AXONAL, AUTOSOMAL DOMINANT, TYPE 2Z; CHARCOT-MARIE-TOOTH NEUROPATHY, TYPE 2Z. Identifiers: Orphanet 466768, MedGen C5569025, MONDO:0014736, OMIM 616688.

gnomAD v4.1: 3 of 1,614,028 alleles (0.00019%); highest among the groups gnomAD compares: South Asian, 0.0011%; no homozygotes.

Submissions (2):

GeneDx
Classification: Uncertain significance. Last evaluated: 2024-08-21. Review status: criteria provided, single submitter. Criteria: GeneDx Variant Classification Process June 2021. Collection method: clinical testing. Allele origin: germline. Affected: yes.
Comment: Not observed at significant frequency in large population cohorts (gnomAD); In silico analysis indicates that this missense variant does not alter protein structure/function; Has not been previously published as pathogenic or benign to our knowledge

Labcorp Genetics (formerly Invitae), Labcorp
Classification: Uncertain significance for Charcot-Marie-Tooth disease axonal type 2Z. Last evaluated: 2024-04-01. Review status: criteria provided, single submitter. Criteria: Invitae Variant Classification Sherloc (09022015). Collection method: clinical testing. Allele origin: germline.
Comment: This sequence change replaces isoleucine, which is neutral and non-polar, with threonine, which is neutral and polar, at codon 454 of the MORC2 protein (p.Ile454Thr). This variant is present in population databases (no rsID available, gnomAD 0.0009%). This variant has not been reported in the literature in individuals affected with MORC2-related conditions. Advanced modeling of protein sequence and biophysical properties (such as structural, functional, and spatial information, amino acid conservation, physicochemical variation, residue mobility, and thermodynamic stability) performed at Invitae indicates that this missense variant is not expected to disrupt MORC2 protein function with a negative predictive value of 95%. In summary, the available evidence is currently insufficient to determine the role of this variant in disease. Therefore, it has been classified as a Variant of Uncertain Significance.